The following is an entry in ClinVar:

NM_000784.4(CYP27A1):c.255+10G>T

Gene: CYP27A1 (cytochrome P450 family 27 subfamily A member 1; plus strand). Cytogenetic location: 2q35.
Variant type: single nucleotide variant.
Coding change: c.255+10G>T on transcript NM_000784.4 (MANE Select); 10 bases into the intron after coding-DNA position 255, G replaced by T.
Molecular consequence: intron variant.
Genome position (GRCh38, 1-based): chr2:218,782,447, G>T. VCF-style: chr2-218782447-G-T. GRCh37 (hg19) VCF-style: chr2-219647170-G-T.
Identifiers: ClinVar variation 5000523 (VCV005000523.1).
Genomic context (GRCh38, chr2:218,782,447, plus strand): 5'-TTCTTTCAGCTGTTCGTTCAAGGCTATGCCCTGCAACTGCACCAGTTACAGGTAACCCGC[G>T]GGGGCATCGCGTCCTGGGGATGGGAGTGGGCACCGGAACAGAGAGGCTAGAGGTGAGAAG-3'

ClinVar aggregate classification (germline): Likely benign (1 of 4 stars; one submission).

Conditions:
CYP27A1-related disorder. Also called: CYP27A1-related condition.

Submission:

PreventionGenetics, part of Exact Sciences
Classification: Likely benign for CYP27A1-related condition. Last evaluated: 2024-12-11. Review status: criteria provided, single submitter. Criteria: ACMG Guidelines, 2015. Collection method: clinical testing. Allele origin: germline.
Comment: This variant is classified as likely benign based on ACMG/AMP sequence variant interpretation guidelines (Richards et al. 2015 PMID: 25741868, with internal and published modifications).